The following is an entry in ClinVar:

NC_000001.10:g.(?_119466351)_(120286570_?)del

Genes: HSD3B2 (hydroxy-delta-5-steroid dehydrogenase, 3 beta- and steroid delta-isomerase 2; plus strand), WARS2 (tryptophanyl tRNA synthetase 2, mitochondrial; minus strand), HAO2 (hydroxyacid oxidase 2; plus strand), ZNF697 (zinc finger protein 697; minus strand), HSD3B1 (hydroxy-delta-5-steroid dehydrogenase, 3 beta- and steroid delta-isomerase 1; plus strand) and 2 more. Cytogenetic location: 1p12.
Variant type: Deletion.
Identifiers: ClinVar variation 2425620 (VCV002425620.4).

ClinVar aggregate classification (germline): Pathogenic (1 of 4 stars; one submission).

Conditions:
PHGDH deficiency. Identifiers: Orphanet 79351, MedGen C1866174, MONDO:0011152, OMIM 601815.

Submission:

Labcorp Genetics (formerly Invitae), Labcorp
Classification: Pathogenic for PHGDH deficiency. Last evaluated: 2022-04-24. Review status: criteria provided, single submitter. Criteria: Invitae Variant Classification Sherloc (09022015). Collection method: clinical testing. Allele origin: germline.
Comment: This variant results in the deletion of exons 1-11 and part of exon 12 (c.-788293_1511del) of the PHGDH gene. It is expected to result in an absent or disrupted protein product. Loss-of-function variants in PHGDH are known to be pathogenic (PMID: 14645240, 24836451). This variant has not been reported in the literature in individuals affected with PHGDH-related conditions. For these reasons, this variant has been classified as Pathogenic.

Literature cited by the submitters: PubMed 14645240; PubMed 24836451.